The following is an entry in ClinVar:

NM_206933.4(USH2A):c.9527_9529del (p.Pro3176_Glu3177delinsGln)

Gene: USH2A (usherin; minus strand). Cytogenetic location: 1q41.
Variant type: Deletion.
Coding change: c.9527_9529del on transcript NM_206933.4 (MANE Select); coding-DNA positions 9527 to 9529, 3 bases deleted (CTG; older notation c.9527_9529delCTG).
Protein change: p.Pro3176_Glu3177delinsGln.
Molecular consequence: inframe indel.
Genome position (GRCh38, 1-based): chr1:215,817,038-215,817,040, CAG deleted on the plus strand (CTG on the coding strand, the reverse complement: USH2A is on the minus strand). VCF-style (leftmost placement, unchanged base first): chr1-215817037-TCAG-T. GRCh37 (hg19) VCF-style: chr1-215990379-TCAG-T.
Identifiers: ClinVar variation 553184 (VCV000553184.8), dbSNP rs1553265812, ClinGen allele CA658822036.
Genomic context (GRCh38, chr1:215,817,037, plus strand): 5'-ATTAGTTAGAAAAGACTTACCTTAGCTTCAGAAGAATAGCAAATGTGTCCACAGATAGAT[TCAG>T]GTTTTTGACACCTCACTGCCTTGCAGAGCTCATCACTCTGATCCTGCACTAACTTTTGAG-3'

ClinVar aggregate classification (germline): Uncertain significance. Review status: criteria provided, multiple submitters, no conflicts (2 of 4 stars). 5 submissions from 4 submitters: Uncertain significance (4). 1 of the submissions does not count toward it. Last evaluated 2023-11-04.

Conditions:
Usher syndrome type 2A. Also called: RETINAL DISEASE IN USHER SYNDROME TYPE IIA, MODIFIER OF; USHER SYNDROME, TYPE IIA. Identifiers: Orphanet 231178, Orphanet 886, MedGen C1848634, MONDO:0010169, OMIM 276901.
Retinitis pigmentosa 39 (RP39). Identifiers: Orphanet 791, MedGen C3151138, MONDO:0013436, OMIM 613809.

Submissions (5):

Genome-Nilou Lab
Classification: Uncertain significance for Retinitis pigmentosa 39. Last evaluated: 2023-11-04. Review status: criteria provided, single submitter. Criteria: ACMG Guidelines, 2015. Collection method: clinical testing. Allele origin: germline. Affected: no.

Genome-Nilou Lab
Classification: Uncertain significance for Usher syndrome type 2A. Last evaluated: 2023-11-04. Review status: criteria provided, single submitter. Criteria: ACMG Guidelines, 2015. Collection method: clinical testing. Allele origin: germline. Affected: no.

Labcorp Genetics (formerly Invitae), Labcorp
Classification: Uncertain significance. Last evaluated: 2022-07-11. Review status: criteria provided, single submitter. Criteria: Invitae Variant Classification Sherloc (09022015). Collection method: clinical testing. Allele origin: germline.
Comment: This variant, c.9527_9529del, is a complex sequence change that results in the deletion of 2 and insertion of 1 amino acid(s) in the USH2A protein (p.Pro3176_Glu3177delinsGln). This variant is not present in population databases (gnomAD no frequency). This variant has not been reported in the literature in individuals affected with USH2A-related conditions. ClinVar contains an entry for this variant (Variation ID: 553184). Experimental studies and prediction algorithms are not available or were not evaluated, and the functional significance of this variant is currently unknown. In summary, the available evidence is currently insufficient to determine the role of this variant in disease. Therefore, it has been classified as a Variant of Uncertain Significance.

Blueprint Genetics
Classification: Uncertain significance. Last evaluated: 2022-06-13. Review status: criteria provided, single submitter. Criteria: ACMG Guidelines, 2015. Collection method: clinical testing. Allele origin: germline.

Counsyl
Classification: Uncertain significance for Usher syndrome type 2A; Retinitis pigmentosa 39. Last evaluated: 2017-08-04. Review status: no assertion criteria provided. Collection method: clinical testing. Allele origin: unknown. Not counted in ClinVar's aggregate classification.